The following is an entry in ClinVar:

NM_177438.3(DICER1):c.2320G>A (p.Gly774Arg)

Gene: DICER1 (dicer 1, ribonuclease III; minus strand). Cytogenetic location: 14q32.13.
Variant type: single nucleotide variant.
Coding change: c.2320G>A on transcript NM_177438.3 (MANE Select); coding-DNA position 2320, G replaced by A.
Protein change: p.Gly774Arg; replaces glycine 774 with arginine.
Molecular consequence: missense variant. On other transcripts: non-coding transcript variant (6).
Genome position (GRCh38, 1-based): chr14:95,108,440, C>T on the plus strand (G>A on the coding strand, the complement: DICER1 is on the minus strand). VCF-style: chr14-95108440-C-T. GRCh37 (hg19) VCF-style: chr14-95574777-C-T.
Other names: c.2320G>A, p.Gly774Arg (NM_001195573.1, NM_001271282.3, NM_001291628.2 and 13 more transcripts); c.2038G>A, p.Gly680Arg (NM_001395686.1); c.1915G>A, p.Gly639Arg (NM_001395687.1, NM_001395688.1, NM_001395689.1 and 2 more transcripts); c.1753G>A, p.Gly585Arg (NM_001395691.1); c.637G>A, p.Gly213Arg (NM_001395697.1); short protein forms G585R, G639R, G774R, G680R, G213R.
Identifiers: ClinVar variation 1789579 (VCV001789579.2), dbSNP rs2140032978, ClinGen allele CA390882302.

ClinVar aggregate classification (germline): Uncertain significance (1 of 4 stars; one submission).

Conditions:
Hereditary cancer-predisposing syndrome. Also called: Hereditary Cancer Syndrome; Hereditary neoplastic syndrome; Tumor predisposition; Neoplastic Syndromes, Hereditary. Identifiers: Orphanet 140162, MedGen C0027672, MeSH D009386, MONDO:0015356.

Submission:

Ambry Genetics
Classification: Uncertain significance for Hereditary cancer-predisposing syndrome. Last evaluated: 2019-04-22. Review status: criteria provided, single submitter. Criteria: Ambry Variant Classification Scheme 2023. Collection method: clinical testing. Allele origin: germline.
Comment: The p.G774R variant (also known as c.2320G>A), located in coding exon 14 of the DICER1 gene, results from a G to A substitution at nucleotide position 2320. The glycine at codon 774 is replaced by arginine, an amino acid with dissimilar properties. This amino acid position is highly conserved in available vertebrate species. In addition, the in silico prediction for this alteration is inconclusive. Since supporting evidence is limited at this time, the clinical significance of this alteration remains unclear.